The following is an entry in ClinVar:

ClinVar aggregate classification (germline): Conflicting classifications of pathogenicity. Review status: criteria provided, conflicting classifications (1 of 4 stars). 4 submissions from 4 submitters: Uncertain significance (3); Likely benign (1). Last evaluated 2026-08-01.

Conditions:
Inborn genetic diseases. Identifiers: MedGen C0950123, MeSH D030342.

Allele frequency attached by ClinVar (database versions not stated): TOPMed below 0.00001; ExAC 0.00001; gnomAD exomes 0.00001.
gnomAD v4.1: 11 of 1,614,182 alleles (0.00068%); highest among the groups gnomAD compares: Middle Eastern, 0.016%; no homozygotes.

Submissions (4):

CeGaT Center for Human Genetics Tuebingen
Classification: Uncertain significance. Last evaluated: 2026-08-01. Review status: criteria provided, single submitter. Criteria: CeGaT Center For Human Genetics Tuebingen Variant Classification Criteria Version 2. Collection method: clinical testing. Allele origin: germline. Affected: yes. Observed: 1 variant allele.

Labcorp Genetics (formerly Invitae), Labcorp
Classification: Uncertain significance. Last evaluated: 2026-01-12. Review status: criteria provided, single submitter. Criteria: Invitae Variant Classification Sherloc (09022015). Collection method: clinical testing. Allele origin: germline.
Comment: This sequence change replaces alanine, which is neutral and non-polar, with valine, which is neutral and non-polar, at codon 690 of the MTOR protein (p.Ala690Val). This variant is present in population databases (rs779998245, gnomAD 0.006%). This missense change has been observed in individual(s) with focal epilepsy (PMID: 32086284). ClinVar contains an entry for this variant (Variation ID: 2144641). Invitae Evidence Modeling of protein sequence and biophysical properties (such as structural, functional, and spatial information, amino acid conservation, physicochemical variation, residue mobility, and thermodynamic stability) indicates that this missense variant is not expected to disrupt MTOR protein function with a negative predictive value of 95%. In summary, the available evidence is currently insufficient to determine the role of this variant in disease. Therefore, it has been classified as a Variant of Uncertain Significance.

GeneDx
Classification: Likely benign. Last evaluated: 2024-09-17. Review status: criteria provided, single submitter. Criteria: GeneDx Variant Classification Process June 2021. Collection method: clinical testing. Allele origin: germline. Affected: yes.
Comment: See Variant Classification Assertion Criteria.

Ambry Genetics
Classification: Uncertain significance for Inborn genetic diseases. Last evaluated: 2024-07-19. Review status: criteria provided, single submitter. Criteria: Ambry Variant Classification Scheme 2023. Collection method: clinical testing. Allele origin: germline.

Literature cited by the submitters: PubMed 32086284 (cited by Labcorp Genetics (formerly Invitae), Labcorp and Ambry Genetics).

NM_004958.4(MTOR):c.2069C>T (p.Ala690Val)

Gene: MTOR (mechanistic target of rapamycin kinase; minus strand). Cytogenetic location: 1p36.22.
Variant type: single nucleotide variant.
Coding change: c.2069C>T on transcript NM_004958.4 (MANE Select); coding-DNA position 2069, C replaced by T.
Protein change: p.Ala690Val; replaces alanine 690 with valine.
Molecular consequence: missense variant.
Genome position (GRCh38, 1-based): chr1:11,237,982, G>A on the plus strand (C>T on the coding strand, the complement: MTOR is on the minus strand). VCF-style: chr1-11237982-G-A. GRCh37 (hg19) VCF-style: chr1-11298039-G-A.
Other names: c.2069C>T, p.Ala690Val (NM_001386500.1); c.821C>T, p.Ala274Val (NM_001386501.1); short protein forms A274V, A690V.
Identifiers: ClinVar variation 2144641 (VCV002144641.8), dbSNP rs779998245, ClinGen allele CA590576.